The following is an entry in ClinVar:

ClinVar aggregate classification (germline): Uncertain significance (1 of 4 stars; one submission).

Conditions:
ALG12-congenital disorder of glycosylation (CDG1G). Also called: ALG12-CDG; Congenital disorder of glycosylation, type Ig; CDG Ig. Identifiers: Orphanet 79324, MedGen C2931001, MONDO:0011783, OMIM 607143.

Allele frequency attached by ClinVar (database versions not stated): gnomAD exomes below 0.00001.

Submission:

Labcorp Genetics (formerly Invitae), Labcorp
Classification: Uncertain significance for ALG12-congenital disorder of glycosylation. Last evaluated: 2022-05-24. Review status: criteria provided, single submitter. Criteria: Invitae Variant Classification Sherloc (09022015). Collection method: clinical testing. Allele origin: germline.
Comment: In summary, the available evidence is currently insufficient to determine the role of this variant in disease. Therefore, it has been classified as a Variant of Uncertain Significance. Algorithms developed to predict the effect of missense changes on protein structure and function are either unavailable or do not agree on the potential impact of this missense change (SIFT: "Deleterious"; PolyPhen-2: "Probably Damaging"; Align-GVGD: "Class C0"). This variant has not been reported in the literature in individuals affected with ALG12-related conditions. This variant is not present in population databases (gnomAD no frequency). This sequence change replaces leucine, which is neutral and non-polar, with methionine, which is neutral and non-polar, at codon 187 of the ALG12 protein (p.Leu187Met).

NM_024105.4(ALG12):c.559C>A (p.Leu187Met)

Gene: ALG12 (ALG12 alpha-1,6-mannosyltransferase; minus strand). Cytogenetic location: 22q13.33.
Variant type: single nucleotide variant.
Coding change: c.559C>A on transcript NM_024105.4 (MANE Select); coding-DNA position 559, C replaced by A.
Protein change: p.Leu187Met; replaces leucine 187 with methionine.
Molecular consequence: missense variant.
Genome position (GRCh38, 1-based): chr22:49,909,999, G>T on the plus strand (C>A on the coding strand, the complement: ALG12 is on the minus strand). VCF-style: chr22-49909999-G-T. GRCh37 (hg19) VCF-style: chr22-50303647-G-T.
Other names: short protein forms L187M.
Identifiers: ClinVar variation 1918375 (VCV001918375.5), dbSNP rs2519268102, ClinGen allele CA412075218.